The following is an entry in ClinVar:

NM_003482.4(KMT2D):c.10268C>T (p.Pro3423Leu)

Gene: KMT2D (lysine methyltransferase 2D; minus strand). Cytogenetic location: 12q13.12.
Variant type: single nucleotide variant.
Coding change: c.10268C>T on transcript NM_003482.4 (MANE Select); coding-DNA position 10268, C replaced by T.
Protein change: p.Pro3423Leu; replaces proline 3423 with leucine.
Molecular consequence: missense variant.
Genome position (GRCh38, 1-based): chr12:49,034,899, G>A on the plus strand (C>T on the coding strand, the complement: KMT2D is on the minus strand). VCF-style: chr12-49034899-G-A. GRCh37 (hg19) VCF-style: chr12-49428682-G-A.
Other names: short protein forms P3423L.
Identifiers: ClinVar variation 4882760 (VCV004882760.2).

ClinVar aggregate classification (germline): Uncertain significance (1 of 4 stars; one submission).

gnomAD v4.1: 9 of 1,613,984 alleles (0.00056%); highest among the groups gnomAD compares: Non-Finnish European, 0.00076%; no homozygotes.

Submission:

Dasa
Classification: Uncertain significance. Last evaluated: 2025-03-11. Review status: criteria provided, single submitter. Criteria: DASA Assertion Criteria. Collection method: clinical testing. Allele origin: germline.
Comment: NM_003482.4(KMT2D):c.10268C>T (p.Pro3423Leu) is a missense variant that results in the substitution of proline with leucine. This variant is rare in population databases. Computational prediction algorithms are consistent with a deleterious effect. The currently available literature and clinical evidence are not sufficient to establish a definitive association between this variant and the reported condition. Therefore, this variant is classified as a variant of uncertain significance.